The following is an entry in ClinVar:

NM_004006.3(DMD):c.3045C>A (p.Ser1015Arg)

Gene: DMD (dystrophin; minus strand). Cytogenetic location: Xp21.1.
Variant type: single nucleotide variant.
Coding change: c.3045C>A on transcript NM_004006.3 (MANE Select); coding-DNA position 3045, C replaced by A.
Protein change: p.Ser1015Arg; replaces serine 1015 with arginine.
Molecular consequence: missense variant.
Genome position (GRCh38, 1-based): chrX:32,468,615, G>T on the plus strand (C>A on the coding strand, the complement: DMD is on the minus strand). VCF-style: chrX-32468615-G-T. GRCh37 (hg19) VCF-style: chrX-32486732-G-T.
Other names: c.3021C>A, p.Ser1007Arg (NM_000109.4); c.3033C>A, p.Ser1011Arg (NM_004009.3); c.2676C>A, p.Ser892Arg (NM_004010.3); short protein forms S1015R, S892R, S1007R, S1011R.
Identifiers: ClinVar variation 4748387 (VCV004748387.1).

ClinVar aggregate classification (germline): Uncertain significance (1 of 4 stars; one submission).

Conditions:
Duchenne muscular dystrophy (DMD). Also called: MUSCULAR DYSTROPHY, PSEUDOHYPERTROPHIC PROGRESSIVE, DUCHENNE TYPE; Duchenne Muscular Dystrophy (DMD). Identifiers: Orphanet 98896, MedGen C0013264, MONDO:0010679, OMIM 310200.

Submission:

Labcorp Genetics (formerly Invitae), Labcorp
Classification: Uncertain significance for Duchenne muscular dystrophy. Last evaluated: 2025-06-19. Review status: criteria provided, single submitter. Criteria: Invitae Variant Classification Sherloc (09022015). Collection method: clinical testing. Allele origin: germline.
Comment: This sequence change replaces serine, which is neutral and polar, with arginine, which is basic and polar, at codon 1015 of the DMD protein (p.Ser1015Arg). This variant is not present in population databases (gnomAD no frequency). This variant has not been reported in the literature in individuals affected with DMD-related conditions. Invitae Evidence Modeling of protein sequence and biophysical properties (such as structural, functional, and spatial information, amino acid conservation, physicochemical variation, residue mobility, and thermodynamic stability) indicates that this missense variant is not expected to disrupt DMD protein function with a negative predictive value of 95%. In summary, the available evidence is currently insufficient to determine the role of this variant in disease. Therefore, it has been classified as a Variant of Uncertain Significance.